The following is an entry in ClinVar:

ClinVar aggregate classification (germline): Uncertain significance (1 of 4 stars; one submission).

Conditions:
Hereditary cancer-predisposing syndrome. Also called: Hereditary Cancer Syndrome; Neoplastic Syndromes, Hereditary; Tumor predisposition; Hereditary neoplastic syndrome. Identifiers: Orphanet 140162, MedGen C0027672, MeSH D009386, MONDO:0015356.

Submission:

Ambry Genetics
Classification: Uncertain significance for Hereditary cancer-predisposing syndrome. Last evaluated: 2021-08-18. Review status: criteria provided, single submitter. Criteria: Ambry Variant Classification Scheme 2023. Collection method: clinical testing. Allele origin: germline.
Comment: The p.E1600A variant (also known as c.4799A>C), located in coding exon 22 of the DICER1 gene, results from an A to C substitution at nucleotide position 4799. The glutamic acid at codon 1600 is replaced by alanine, an amino acid with dissimilar properties. This amino acid position is well conserved in available vertebrate species. In addition, the in silico prediction for this alteration is inconclusive. Since supporting evidence is limited at this time, the clinical significance of this alteration remains unclear.

NM_177438.3(DICER1):c.4799A>C (p.Glu1600Ala)

Gene: DICER1 (dicer 1, ribonuclease III; minus strand). Cytogenetic location: 14q32.13.
Variant type: single nucleotide variant.
Coding change: c.4799A>C on transcript NM_177438.3 (MANE Select); coding-DNA position 4799, A replaced by C.
Protein change: p.Glu1600Ala; replaces glutamic acid 1600 with alanine.
Molecular consequence: missense variant. On other transcripts: non-coding transcript variant (6).
Genome position (GRCh38, 1-based): chr14:95,096,121, T>G on the plus strand (A>C on the coding strand, the complement: DICER1 is on the minus strand). VCF-style: chr14-95096121-T-G. GRCh37 (hg19) VCF-style: chr14-95562458-T-G.
Other names: c.4799A>C, p.Glu1600Ala (NM_030621.4, NM_001195573.1, NM_001271282.3 and 13 more transcripts); c.4517A>C, p.Glu1506Ala (NM_001395686.1); c.4394A>C, p.Glu1465Ala (NM_001395687.1, NM_001395688.1, NM_001395689.1 and 2 more transcripts); c.4232A>C, p.Glu1411Ala (NM_001395691.1); c.3116A>C, p.Glu1039Ala (NM_001395697.1); short protein forms E1039A, E1411A, E1506A, E1600A, E1465A.
Identifiers: ClinVar variation 1743144 (VCV001743144.2), dbSNP rs2542485778, ClinGen allele CA390867130.